The following is an entry in ClinVar:

ClinVar aggregate classification (germline): Uncertain significance (1 of 4 stars; one submission).

Submission:

GeneDx
Classification: Uncertain significance. Last evaluated: 2026-01-12. Review status: criteria provided, single submitter. Criteria: GeneDx Variant Classification Process June 2021. Collection method: clinical testing. Allele origin: germline.
Comment: Not observed at significant frequency in large population cohorts (gnomAD); In silico analysis suggests that this missense variant does not alter protein structure/function; Has not been previously published as pathogenic or benign to our knowledge

NM_015100.4(POGZ):c.2714C>T (p.Ala905Val)

Gene: POGZ (pogo transposable element derived with ZNF domain; minus strand). Cytogenetic location: 1q21.3.
Variant type: single nucleotide variant.
Coding change: c.2714C>T on transcript NM_015100.4 (MANE Select); coding-DNA position 2714, C replaced by T.
Protein change: p.Ala905Val; replaces alanine 905 with valine.
Molecular consequence: missense variant.
Genome position (GRCh38, 1-based): chr1:151,406,321, G>A on the plus strand (C>T on the coding strand, the complement: POGZ is on the minus strand). VCF-style: chr1-151406321-G-A. GRCh37 (hg19) VCF-style: chr1-151378797-G-A.
Other names: c.2687C>T, p.Ala896Val (NM_001194937.2); c.2528C>T, p.Ala843Val (NM_001194938.2); c.2735C>T, p.Ala912Val (NM_001410860.1); c.2429C>T, p.Ala810Val (NM_145796.4); c.2555C>T, p.Ala852Val (NM_207171.2); short protein forms A810V, A843V, A852V, A896V, A905V, A912V.
Identifiers: ClinVar variation 4057003 (VCV004057003.2).